The following is an entry in ClinVar:

NM_000435.3(NOTCH3):c.2416C>T (p.Arg806Ter)

Gene: NOTCH3 (notch receptor 3; minus strand). Cytogenetic location: 19p13.12.
Variant type: single nucleotide variant.
Coding change: c.2416C>T on transcript NM_000435.3 (MANE Select); coding-DNA position 2416, C replaced by T.
Protein change: p.Arg806Ter; replaces arginine 806 with a stop codon.
Molecular consequence: nonsense.
Genome position (GRCh38, 1-based): chr19:15,184,445, G>A on the plus strand (C>T on the coding strand, the complement: NOTCH3 is on the minus strand). VCF-style: chr19-15184445-G-A. GRCh37 (hg19) VCF-style: chr19-15295256-G-A.
Other names: short protein forms R806*.
Identifiers: ClinVar variation 4941284 (VCV004941284.3).

ClinVar aggregate classification (germline): Uncertain significance. Review status: criteria provided, multiple submitters, no conflicts (2 of 4 stars). 2 submissions from 2 submitters: Uncertain significance (2). Last evaluated 2024-02-05.

Conditions:
Cerebral arteriopathy, autosomal dominant, with subcortical infarcts and leukoencephalopathy, type 1 (CADASIL1). Also called: DEMENTIA, HEREDITARY MULTIINFARCT TYPE; CADASIL 1; CASIL; Cerebral arteriopathy with subcortical infarcts and leukoencephalopathy 1. Identifiers: Orphanet 136, MedGen C4551768, MONDO:0000914, OMIM 125310.
Lateral meningocele syndrome (LMNS). Also called: NOTCH3-Related Lateral Meningocele Syndrome. Identifiers: Orphanet 2789, MedGen C1851710, MONDO:0007537, OMIM 130720.
Myofibromatosis, infantile, 2. Identifiers: Orphanet 2591, MedGen C3809084, MONDO:0014122, OMIM 615293.

gnomAD v4.1: 3 of 1,613,676 alleles (0.00019%); highest among the groups gnomAD compares: Admixed American, 0.0017%; no homozygotes.

Submissions (2):

Blueprint Genetics
Classification: Uncertain significance. Last evaluated: 2024-02-05. Review status: criteria provided, single submitter. Criteria: ACMG Guidelines, 2015. Collection method: clinical testing. Allele origin: germline.

Juno Genomics, Hangzhou Juno Genomics, Inc
Classification: Uncertain significance for Myofibromatosis, infantile, 2; Cerebral arteriopathy, autosomal dominant, with subcortical infarcts and leukoencephalopathy, type 1; Lateral meningocele syndrome. Review status: criteria provided, single submitter. Criteria: ACMG Guidelines, 2015. Collection method: clinical testing. Allele origin: germline.
Comment: Absent from controls (or at extremely low frequency if recessive) in Genome Aggregation Database.